The following is an entry in ClinVar:

NM_177438.3(DICER1):c.212C>G (p.Thr71Arg)

Gene: DICER1 (dicer 1, ribonuclease III; minus strand). Cytogenetic location: 14q32.13.
Variant type: single nucleotide variant.
Coding change: c.212C>G on transcript NM_177438.3 (MANE Select); coding-DNA position 212, C replaced by G.
Protein change: p.Thr71Arg; replaces threonine 71 with arginine.
Molecular consequence: missense variant. On other transcripts: 5 prime UTR variant (9), non-coding transcript variant (6).
Genome position (GRCh38, 1-based): chr14:95,132,610, G>C on the plus strand (C>G on the coding strand, the complement: DICER1 is on the minus strand). VCF-style: chr14-95132610-G-C. GRCh37 (hg19) VCF-style: chr14-95598947-G-C.
Other names: c.212C>G, p.Thr71Arg (NM_001195573.1, NM_001271282.3, NM_001291628.2 and 14 more transcripts); c.-63C>G (NM_001395686.1, NM_001395687.1, NM_001395688.1 and 4 more transcripts); c.-247C>G (NM_001395691.1); c.-1357C>G (NM_001395697.1); short protein forms T71R.
Identifiers: ClinVar variation 3501832 (VCV003501832.1).

ClinVar aggregate classification (germline): Uncertain significance (1 of 4 stars; one submission).

Conditions:
Hereditary cancer-predisposing syndrome. Also called: Tumor predisposition; Neoplastic Syndromes, Hereditary; Hereditary Cancer Syndrome; Hereditary neoplastic syndrome. Identifiers: Orphanet 140162, MedGen C0027672, MeSH D009386, MONDO:0015356.

gnomAD v4.1: 3 of 1,613,670 alleles (0.00019%); highest among the groups gnomAD compares: Non-Finnish European, 0.00025%; no homozygotes.

Submission:

Ambry Genetics
Classification: Uncertain significance for Hereditary cancer-predisposing syndrome. Last evaluated: 2024-11-19. Review status: criteria provided, single submitter. Criteria: Ambry Variant Classification Scheme 2023. Collection method: clinical testing. Allele origin: germline.
Comment: The p.T71R variant (also known as c.212C>G), located in coding exon 2 of the DICER1 gene, results from a C to G substitution at nucleotide position 212. The threonine at codon 71 is replaced by arginine, an amino acid with similar properties. This amino acid position is well conserved in available vertebrate species. In addition, this alteration is predicted to be deleterious by in silico analysis. Based on the available evidence, the clinical significance of this variant remains unclear.